The following is an entry in ClinVar:

ClinVar aggregate classification (germline): Uncertain significance. Review status: criteria provided, multiple submitters, no conflicts (2 of 4 stars). 3 submissions from 3 submitters: Uncertain significance (2). 1 of the submissions does not count toward it. Last evaluated 2025-10-18.

Conditions:
EYS-related disorder. Also called: EYS-related condition.
Inborn genetic diseases. Identifiers: MedGen C0950123, MeSH D030342.

gnomAD v4.1: 6 of 1,551,170 alleles (0.00039%); highest among the groups gnomAD compares: East Asian, 0.0024%; no homozygotes.

Submissions (3):

Ambry Genetics
Classification: Uncertain significance for Inborn genetic diseases. Last evaluated: 2025-10-18. Review status: criteria provided, single submitter. Criteria: Ambry Variant Classification Scheme 2023. Collection method: clinical testing. Allele origin: germline.

Blueprint Genetics
Classification: Uncertain significance. Last evaluated: 2020-06-23. Review status: criteria provided, single submitter. Criteria: ACMG Guidelines, 2015. Collection method: clinical testing. Allele origin: germline.

PreventionGenetics, part of Exact Sciences
Classification: Uncertain significance for EYS-related condition. Last evaluated: 2024-09-18. Review status: no assertion criteria provided. Collection method: clinical testing. Allele origin: germline. Not counted in ClinVar's aggregate classification.
Comment: The EYS c.4330C>T variant is predicted to result in the amino acid substitution p.Leu1444Phe. To our knowledge, this variant has not been reported in the literature. This variant is reported in 0.0017% of alleles in individuals of European (Non-Finnish) descent in gnomAD. At this time, the clinical significance of this variant is uncertain due to the absence of conclusive functional and genetic evidence.

NM_001142800.2(EYS):c.4330C>T (p.Leu1444Phe)

Gene: EYS (EGF-like photoreceptor maintenance factor; minus strand). Cytogenetic location: 6q12.
Variant type: single nucleotide variant.
Coding change: c.4330C>T on transcript NM_001142800.2 (MANE Select); coding-DNA position 4330, C replaced by T.
Protein change: p.Leu1444Phe; replaces leucine 1444 with phenylalanine.
Molecular consequence: missense variant.
Genome position (GRCh38, 1-based): chr6:64,591,537, G>A on the plus strand (C>T on the coding strand, the complement: EYS is on the minus strand). VCF-style: chr6-64591537-G-A. GRCh37 (hg19) VCF-style: chr6-65301430-G-A.
Other names: c.4330C>T, p.Leu1444Phe (NM_001292009.2); short protein forms L1444F.
Identifiers: ClinVar variation 3351053 (VCV003351053.3).
Genomic context (GRCh38, chr6:64,591,537, plus strand): 5'-CCCTAGAGACAACTGGAGTTGCACTTATGGAGGCAGCTATAAGCAGGAATCCACGGGAGA[G>A]TAATGACTGCCTGTTTAGCTCAATATCAGCCCCTGGAATGCTTCTAATTACTGAAGTCGT-3'
Protein context (NP_001136272.1, residues 1434-1454): ADIELNRQSL[Leu1444Phe]SRGFLLIAAS